The following is an entry in ClinVar:

NM_013296.5(GPSM2):c.1537G>C (p.Glu513Gln)

Gene: GPSM2 (G protein signaling modulator 2; plus strand). Cytogenetic location: 1p13.3.
Variant type: single nucleotide variant.
Coding change: c.1537G>C on transcript NM_013296.5 (MANE Select); coding-DNA position 1537, G replaced by C.
Protein change: p.Glu513Gln; replaces glutamic acid 513 with glutamine.
Molecular consequence: missense variant.
Genome position (GRCh38, 1-based): chr1:108,922,513, G>C. VCF-style: chr1-108922513-G-C. GRCh37 (hg19) VCF-style: chr1-109465135-G-C.
Other names: c.1537G>C, p.Glu513Gln (NM_001321038.2, NM_001321039.3); short protein forms E513Q.
Identifiers: ClinVar variation 4744698 (VCV004744698.1).
Genomic context (GRCh38, chr1:108,922,513, plus strand): 5'-TTTGACTTATTAAGCCGATTTCAAAGCAATAGGATGGATGATCAGAGATGTTGCTTACAA[G>C]AAAAGAACTGCCATACAGCTTCAACAACAACTTCTTCCACTCCCCCTAAAATGATGCTAA-3'
Protein context (NP_037428.3, residues 503-523): RMDDQRCCLQ[Glu513Gln]KNCHTASTTT

ClinVar aggregate classification (germline): Uncertain significance (1 of 4 stars; one submission).

Submission:

Labcorp Genetics (formerly Invitae), Labcorp
Classification: Uncertain significance. Last evaluated: 2025-08-20. Review status: criteria provided, single submitter. Criteria: Invitae Variant Classification Sherloc (09022015). Collection method: clinical testing. Allele origin: germline.
Comment: This sequence change replaces glutamic acid, which is acidic and polar, with glutamine, which is neutral and polar, at codon 513 of the GPSM2 protein (p.Glu513Gln). This variant is present in population databases (no rsID available, gnomAD 0.0009%). This variant has not been reported in the literature in individuals affected with GPSM2-related conditions. Invitae Evidence Modeling of protein sequence and biophysical properties (such as structural, functional, and spatial information, amino acid conservation, physicochemical variation, residue mobility, and thermodynamic stability) indicates that this missense variant is not expected to disrupt GPSM2 protein function with a negative predictive value of 80%. In summary, the available evidence is currently insufficient to determine the role of this variant in disease. Therefore, it has been classified as a Variant of Uncertain Significance.